The following is an entry in ClinVar:

NM_000368.5(TSC1):c.3067C>T (p.Pro1023Ser)

Gene: TSC1 (TSC complex subunit 1; minus strand). Cytogenetic location: 9q34.13.
Variant type: single nucleotide variant.
Coding change: c.3067C>T on transcript NM_000368.5 (MANE Select); coding-DNA position 3067, C replaced by T.
Protein change: p.Pro1023Ser; replaces proline 1023 with serine.
Molecular consequence: missense variant.
Genome position (GRCh38, 1-based): chr9:132,896,663, G>A on the plus strand (C>T on the coding strand, the complement: TSC1 is on the minus strand). VCF-style: chr9-132896663-G-A. GRCh37 (hg19) VCF-style: chr9-135772050-G-A.
Other names: c.3064C>T, p.Pro1022Ser (NM_001162426.2); c.2914C>T, p.Pro972Ser (NM_001162427.2); c.2704C>T, p.Pro902Ser (NM_001362177.2); short protein forms P1023S, P902S, P972S, P1022S.
Identifiers: ClinVar variation 411225 (VCV000411225.15), dbSNP rs138445573, ClinGen allele CA035733.

ClinVar aggregate classification (germline): Conflicting classifications of pathogenicity. Review status: criteria provided, conflicting classifications (1 of 4 stars). 5 submissions from 5 submitters: Uncertain significance (3); Benign (1); Likely benign (1). Last evaluated 2026-07-30.

Conditions:
Hereditary cancer-predisposing syndrome. Also called: Neoplastic Syndromes, Hereditary; Hereditary Cancer Syndrome; Tumor predisposition; Hereditary neoplastic syndrome. Identifiers: Orphanet 140162, MedGen C0027672, MeSH D009386, MONDO:0015356.
Tuberous sclerosis 1 (TSC1). Identifiers: Orphanet 805, MedGen C1854465, MONDO:0008612, OMIM 191100.
Tuberous sclerosis syndrome (TSC). Also called: Tuberous sclerosis; Tuberous Sclerosis Complex. Identifiers: Orphanet 805, MedGen C0041341, MONDO:0001734.
TSC1-related disorder. Also called: TSC1-related condition.

Allele frequency attached by ClinVar (database versions not stated): gnomAD exomes below 0.00001 and 0.00001; TOPMed 0.00001; ESP Exome Variant Server 0.00008; ExAC 0.00001.
gnomAD v4.1: 10 of 1,613,960 alleles (0.00062%); highest among the groups gnomAD compares: Non-Finnish European, 0.00085%; no homozygotes.

Submissions (5):

Ambry Genetics
Classification: Benign for Hereditary cancer-predisposing syndrome. Last evaluated: 2026-07-30. Review status: criteria provided, single submitter. Criteria: Ambry Variant Classification Scheme 2023. Collection method: clinical testing. Allele origin: germline.

PreventionGenetics, part of Exact Sciences
Classification: Uncertain significance for TSC1-related condition. Last evaluated: 2025-07-26. Review status: criteria provided, single submitter. Criteria: ACMG Guidelines, 2015. Collection method: clinical testing. Allele origin: germline.
Comment: The TSC1 c.3067C>T variant is predicted to result in the amino acid substitution p.Pro1023Ser. To our knowledge, this variant has not been reported in the literature. This variant is reported in 0.00089% of alleles in individuals of European (Non-Finnish) descent in gnomAD. This variant has conflicting interpretations in ClinVar ranging from likely benign to uncertain (Variation ID: 411225). At this time, the clinical significance of this variant is uncertain due to the absence of conclusive functional and genetic evidence.

Labcorp Genetics (formerly Invitae), Labcorp
Classification: Likely benign for Tuberous sclerosis 1. Last evaluated: 2025-01-30. Review status: criteria provided, single submitter. Criteria: Invitae Variant Classification Sherloc (09022015). Collection method: clinical testing. Allele origin: germline.

All of Us Research Program, National Institutes of Health
Classification: Uncertain significance for Tuberous sclerosis syndrome. Last evaluated: 2024-02-05. Review status: criteria provided, single submitter. Criteria: ACMG Guidelines, 2015. Collection method: clinical testing. Allele origin: germline. Inheritance: Autosomal dominant inheritance. Observed: 2 variant alleles, 2 heterozygotes.
Comment: This missense variant replaces proline with serine at codon 1023 of the TSC1 protein. Computational prediction suggests that this variant may not impact protein structure and function (internally defined REVEL score threshold <= 0.5, PMID: 27666373). To our knowledge, functional studies have not been reported for this variant. This variant has not been reported in individuals affected with TSC1-related disorders in the literature. This variant has been identified in 1/249770 chromosomes in the general population by the Genome Aggregation Database (gnomAD). The available evidence is insufficient to determine the role of this variant in disease conclusively. Therefore, this variant is classified as a Variant of Uncertain Significance.

This study involves interpretation of variants in research participants for the purpose of population health screening. Participant phenotype was not available at the time of variant classification. Additional details can be found in publication PMID: 35346344, PMCID: PMC8962531

Color Diagnostics, LLC DBA Color Health
Classification: Uncertain significance for Tuberous sclerosis syndrome. Last evaluated: 2023-07-20. Review status: criteria provided, single submitter. Criteria: ACMG Guidelines, 2015. Collection method: clinical testing. Allele origin: germline.
Comment: This missense variant replaces proline with serine at codon 1023 of the TSC1 protein. Computational prediction suggests that this variant may not impact protein structure and function. To our knowledge, functional studies have not been reported for this variant. This variant has not been reported in individuals affected with TSC1-related disorders in the literature. This variant has been identified in 1/249770 chromosomes in the general population by the Genome Aggregation Database (gnomAD). The available evidence is insufficient to determine the role of this variant in disease conclusively. Therefore, this variant is classified as a Variant of Uncertain Significance.